The following is an entry in ClinVar:

NM_006031.6(PCNT):c.8564G>A (p.Arg2855Gln)

Gene: PCNT (pericentrin; plus strand). Cytogenetic location: 21q22.3.
Variant type: single nucleotide variant.
Coding change: c.8564G>A on transcript NM_006031.6 (MANE Select); coding-DNA position 8564, G replaced by A.
Protein change: p.Arg2855Gln; replaces arginine 2855 with glutamine.
Molecular consequence: missense variant. On other transcripts: intron variant (1).
Genome position (GRCh38, 1-based): chr21:46,432,028, G>A. VCF-style: chr21-46432028-G-A. GRCh37 (hg19) VCF-style: chr21-47851942-G-A.
Other names: c.8160+50G>A (NM_001315529.2); short protein forms R2855Q.
Identifiers: ClinVar variation 436272 (VCV000436272.14), dbSNP rs568559091, ClinGen allele CA10080995.

ClinVar aggregate classification (germline): Uncertain significance. Review status: criteria provided, multiple submitters, no conflicts (2 of 4 stars). 4 submissions from 4 submitters: Uncertain significance (4). Last evaluated 2026-02-18.

Conditions:
PCNT-related disorder. Also called: PCNT-related condition.
Microcephalic osteodysplastic primordial dwarfism type II (MOPD2). Also called: OSTEODYSPLASTIC PRIMORDIAL DWARFISM, TYPE II; Microcephalic osteodysplastic primordial dwarfism with tooth abnormalities; MOPD II. Identifiers: Orphanet 2637, MedGen C0432246, MONDO:0008872, OMIM 210720.

Allele frequency attached by ClinVar (database versions not stated): gnomAD exomes 0.00002 and 0.00010; ExAC 0.00003; TOPMed 0.00004; gnomAD 0.00006; 1000 Genomes Project 0.00020; 1000 Genomes Project 30x 0.00031.
gnomAD v4.1: 163 of 1,613,956 alleles (0.01%); highest among the groups gnomAD compares: Non-Finnish European, 0.012%; no homozygotes.

Submissions (4):

PreventionGenetics, part of Exact Sciences
Classification: Uncertain significance for PCNT-related condition. Last evaluated: 2026-02-18. Review status: criteria provided, single submitter. Criteria: ACMG Guidelines, 2015. Collection method: clinical testing. Allele origin: germline.
Comment: The PCNT c.8564G>A variant is predicted to result in the amino acid substitution p.Arg2855Gln. To our knowledge, this variant has not been reported in the literature. This variant is reported in 0.0054% of alleles in individuals of European (Non-Finnish) descent in gnomAD. At this time, the clinical significance of this variant is uncertain due to the absence of conclusive functional and genetic evidence.

Labcorp Genetics (formerly Invitae), Labcorp
Classification: Uncertain significance. Last evaluated: 2022-07-19. Review status: criteria provided, single submitter. Criteria: Invitae Variant Classification Sherloc (09022015). Collection method: clinical testing. Allele origin: germline.
Comment: This sequence change replaces arginine, which is basic and polar, with glutamine, which is neutral and polar, at codon 2855 of the PCNT protein (p.Arg2855Gln). This variant is present in population databases (rs568559091, gnomAD 0.006%). This variant has not been reported in the literature in individuals affected with PCNT-related conditions. ClinVar contains an entry for this variant (Variation ID: 436272). Algorithms developed to predict the effect of missense changes on protein structure and function output the following: SIFT: "Tolerated"; PolyPhen-2: "Possibly Damaging"; Align-GVGD: "Class C0". The glutamine amino acid residue is found in multiple mammalian species, which suggests that this missense change does not adversely affect protein function. In summary, the available evidence is currently insufficient to determine the role of this variant in disease. Therefore, it has been classified as a Variant of Uncertain Significance.

Illumina Laboratory Services, Illumina
Classification: Uncertain significance for Microcephalic osteodysplastic primordial dwarfism type II. Last evaluated: 2018-01-13. Review status: criteria provided, single submitter. Criteria: ICSL Variant Classification Criteria 13 December 2019. Collection method: clinical testing. Allele origin: germline.

Genetic Services Laboratory, University of Chicago
Classification: Uncertain significance. Last evaluated: 2016-10-12. Review status: criteria provided, single submitter. Criteria: ACMG Guidelines, 2015. Collection method: clinical testing. Allele origin: germline. Affected: no.